The following is an entry in ClinVar:

ClinVar aggregate classification (germline): Pathogenic (1 of 4 stars; one submission).

Conditions:
Hereditary nonpolyposis colorectal neoplasms. Identifiers: MedGen C0009405, MeSH D003123.

Submission:

Labcorp Genetics (formerly Invitae), Labcorp
Classification: Pathogenic for Hereditary nonpolyposis colorectal neoplasms. Last evaluated: 2025-12-21. Review status: criteria provided, single submitter. Criteria: Invitae Variant Classification Sherloc (09022015). Collection method: clinical testing. Allele origin: germline.
Comment: This sequence change creates a premature translational stop signal (p.Glu708Tyrfs*6) in the MSH6 gene. It is expected to result in an absent or disrupted protein product. Loss-of-function variants in MSH6 are known to be pathogenic (PMID: 18269114, 24362816). This variant is not present in population databases (gnomAD no frequency). This variant has not been reported in the literature in individuals affected with MSH6-related conditions. Algorithms developed to predict the effect of sequence changes on RNA splicing suggest that this variant may create or strengthen a splice site. For these reasons, this variant has been classified as Pathogenic.

Literature cited by the submitters: PubMed 18269114; PubMed 24362816.

NM_000179.3(MSH6):c.2122_2126del (p.Glu708fs)

Gene: MSH6 (mutS homolog 6; plus strand). Cytogenetic location: 2p16.3.
Variant type: Deletion.
Coding change: c.2122_2126del on transcript NM_000179.3 (MANE Select); coding-DNA positions 2122 to 2126, 5 bases deleted (GAATA; older notation c.2122_2126delGAATA).
Protein change: p.Glu708fs; shifts the reading frame from glutamic acid 708.
Molecular consequence: frameshift variant. On other transcripts: non-coding transcript variant (5), intron variant (2).
Genome position (GRCh38, 1-based): chr2:47,800,105-47,800,109, GAATA deleted; deleting any 5 consecutive bases within chr2:47,800,104-47,800,109 gives the same sequence; the c. name uses the placement nearest the transcript's 3' end. VCF-style (leftmost placement, unchanged base first): chr2-47800103-AAGAAT-A. GRCh37 (hg19) VCF-style: chr2-48027242-AAGAAT-A.
Other names: c.1732_1736del, p.Glu578fs (NM_001281492.2); c.1216_1220del, p.Glu406fs (NM_001281493.2, NM_001281494.2, NM_001406811.1 and 6 more transcripts); c.2218_2222del, p.Glu740fs (NM_001406795.1, NM_001406802.1); c.2122_2126del, p.Glu708fs (NM_001406796.1, NM_001406798.1, NM_001406800.1 and 3 more transcripts); c.1825_1829del, p.Glu609fs (NM_001406797.1, NM_001406801.1, NM_001406805.1 and 10 more transcripts); c.1597_1601del, p.Glu533fs (NM_001406799.1, NM_001406806.1, NM_001406807.1); c.2044_2048del, p.Glu682fs (NM_001406804.1); c.2128_2132del, p.Glu710fs (NM_001406813.1); and 3 more; short protein forms E609fs, E682fs, E708fs, E740fs, E406fs, E578fs, E652fs, E533fs.
Identifiers: ClinVar variation 4733785 (VCV004733785.1).